The following is an entry in ClinVar:

ClinVar aggregate classification (germline): Uncertain significance (1 of 4 stars; one submission).

Conditions:
Ciliary dyskinesia, primary, 37 (CILD37). Also called: CILIARY DYSKINESIA, PRIMARY, 37, WITH OR WITHOUT SITUS INVERSUS. Identifiers: MedGen C4539798, MONDO:0033204, OMIM 617577.
Spermatogenic failure 18. Identifiers: MedGen C4539783, MONDO:0054615, OMIM 617576.

Allele frequency attached by ClinVar (database versions not stated): ExAC 0.00001; TOPMed 0.00001.
gnomAD v4.1: 8 of 1,613,658 alleles (0.0005%); highest among the groups gnomAD compares: African/African-American, 0.0053%; no homozygotes.

Submission:

Labcorp Genetics (formerly Invitae), Labcorp
Classification: Uncertain significance for Ciliary dyskinesia, primary, 37; Spermatogenic failure 18. Last evaluated: 2021-09-10. Review status: criteria provided, single submitter. Criteria: Invitae Variant Classification Sherloc (09022015). Collection method: clinical testing. Allele origin: germline.
Comment: In summary, the available evidence is currently insufficient to determine the role of this variant in disease. Therefore, it has been classified as a Variant of Uncertain Significance. This sequence change replaces methionine with valine at codon 3143 of the DNAH1 protein (p.Met3143Val). The methionine residue is moderately conserved and there is a small physicochemical difference between methionine and valine. This variant is present in population databases (rs201358297, ExAC 0.006%). This variant has not been reported in the literature in individuals affected with DNAH1-related conditions. Algorithms developed to predict the effect of missense changes on protein structure and function (SIFT, PolyPhen-2, Align-GVGD) all suggest that this variant is likely to be tolerated.

NM_015512.5(DNAH1):c.9427A>G (p.Met3143Val)

Gene: DNAH1 (dynein axonemal heavy chain 1; plus strand). Cytogenetic location: 3p21.1.
Variant type: single nucleotide variant.
Coding change: c.9427A>G on transcript NM_015512.5 (MANE Select); coding-DNA position 9427, A replaced by G.
Protein change: p.Met3143Val; replaces methionine 3143 with valine.
Molecular consequence: missense variant.
Genome position (GRCh38, 1-based): chr3:52,388,869, A>G. VCF-style: chr3-52388869-A-G. GRCh37 (hg19) VCF-style: chr3-52422885-A-G.
Other names: short protein forms M3143V.
Identifiers: ClinVar variation 1431726 (VCV001431726.6), dbSNP rs201358297, ClinGen allele CA2435525.
Genomic context (GRCh38, chr3:52,388,869, plus strand): 5'-ATCAACGGGCTGTCGGATGAGAAGGTGCGCTGGCAGGAGACGGTGGAGAACCTGCAGTAC[A>G]TGCTCAACAACATCTCCGGCGATGTCCTGGTGGCCGCTGGCTTTGTGGCCTACCTGGGCC-3'
Protein context (NP_056327.4, residues 3133-3153): WQETVENLQY[Met3143Val]LNNISGDVLV